The following is an entry in ClinVar:

NM_001370259.2(MEN1):c.1219C>A (p.Pro407Thr)

Gene: MEN1 (menin 1; minus strand). Cytogenetic location: 11q13.1.
Variant type: single nucleotide variant.
Coding change: c.1219C>A on transcript NM_001370259.2 (MANE Select); coding-DNA position 1219, C replaced by A.
Protein change: p.Pro407Thr; replaces proline 407 with threonine.
Molecular consequence: missense variant. On other transcripts: non-coding transcript variant (4), intron variant (1).
Genome position (GRCh38, 1-based): chr11:64,805,165, G>T on the plus strand (C>A on the coding strand, the complement: MEN1 is on the minus strand). VCF-style: chr11-64805165-G-T. GRCh37 (hg19) VCF-style: chr11-64572637-G-T.
Other names: c.1219C>A, p.Pro407Thr (NM_001370260.2, NM_001370261.2, NM_001407146.1 and 2 more transcripts); c.1114C>A, p.Pro372Thr (NM_001370262.2, NM_001370263.2, NM_001407148.1 and 1 more transcripts); c.1345C>A, p.Pro449Thr (NM_001407142.1, NM_001407143.1, NM_001407144.1 and 1 more transcripts); c.1234C>A, p.Pro412Thr (NM_001407145.1, NM_130800.3, NM_130801.3 and 4 more transcripts); c.1360C>A, p.Pro454Thr (NM_001407150.1); c.1240C>A, p.Pro414Thr (NM_001407151.1); c.1186-349C>A (NM_001407152.1); short protein forms P372T, P407T, P412T, P414T, P449T, P454T.
Identifiers: ClinVar variation 3071646 (VCV003071646.1), dbSNP rs1060499985, ClinGen allele CA381180710.

ClinVar aggregate classification (germline): Uncertain significance (1 of 4 stars; one submission).

Conditions:
Multiple endocrine neoplasia, type 1 (MEN1). Also called: MEN I; WERMER SYNDROME; Endocrine adenomatosis multiple; MEN 1; MEA I. Identifiers: Orphanet 652, MedGen C0025267, MeSH D018761, MONDO:0007540, OMIM 131100.

Submission:

All of Us Research Program, National Institutes of Health
Classification: Uncertain significance for Multiple endocrine neoplasia, type 1. Last evaluated: 2023-06-08. Review status: criteria provided, single submitter. Criteria: ACMG Guidelines, 2015. Collection method: clinical testing. Allele origin: germline. Inheritance: Autosomal dominant inheritance. Observed: 1 variant allele, 1 heterozygote.
Comment: This missense variant replaces proline with threonine at codon 407 of the MEN1 protein. Computational prediction suggests that this variant may have deleterious impact on protein structure and function (internally defined REVEL score threshold >= 0.7, PMID: 27666373). To our knowledge, functional studies have not been reported for this variant. This variant has not been reported in individuals affected with MEN1-related disorders in the literature. This variant has not been identified in the general population by the Genome Aggregation Database (gnomAD). The available evidence is insufficient to determine the role of this variant in disease conclusively. Therefore, this variant is classified as a Variant of Uncertain Significance.

This study involves interpretation of variants in research participants for the purpose of population health screening. Participant phenotype was not available at the time of variant classification. Additional details can be found in publication PMID: 35346344, PMCID: PMC8962531